The following is an entry in ClinVar:

NM_001007527.2(LMBRD2):c.1688G>T (p.Gly563Val)

Gene: LMBRD2 (LMBR1 domain containing 2; minus strand). Cytogenetic location: 5p13.2.
Variant type: single nucleotide variant.
Coding change: c.1688G>T on transcript NM_001007527.2 (MANE Select); coding-DNA position 1688, G replaced by T.
Protein change: p.Gly563Val; replaces glycine 563 with valine.
Molecular consequence: missense variant.
Genome position (GRCh38, 1-based): chr5:36,111,211, C>A on the plus strand (G>T on the coding strand, the complement: LMBRD2 is on the minus strand). VCF-style: chr5-36111211-C-A. GRCh37 (hg19) VCF-style: chr5-36111313-C-A.
Other names: short protein forms G563V.
Identifiers: ClinVar variation 3903344 (VCV003903344.1).

ClinVar aggregate classification (germline): Uncertain significance (1 of 4 stars; one submission).

Submission:

GeneDx
Classification: Uncertain significance. Last evaluated: 2024-12-05. Review status: criteria provided, single submitter. Criteria: GeneDx Variant Classification Process June 2021. Collection method: clinical testing. Allele origin: germline. Affected: yes.
Comment: Not observed at significant frequency in large population cohorts (gnomAD); In silico analysis supports that this missense variant has a deleterious effect on protein structure/function; Has not been previously published as pathogenic or benign to our knowledge